The following is an entry in ClinVar:

NM_000350.3(ABCA4):c.4672G>A (p.Gly1558Arg)

Gene: ABCA4 (ATP binding cassette subfamily A member 4; minus strand). Cytogenetic location: 1p22.1.
Variant type: single nucleotide variant.
Coding change: c.4672G>A on transcript NM_000350.3 (MANE Select); coding-DNA position 4672, G replaced by A.
Protein change: p.Gly1558Arg; replaces glycine 1558 with arginine.
Molecular consequence: missense variant.
Genome position (GRCh38, 1-based): chr1:94,021,947, C>T on the plus strand (G>A on the coding strand, the complement: ABCA4 is on the minus strand). VCF-style: chr1-94021947-C-T. GRCh37 (hg19) VCF-style: chr1-94487503-C-T.
Other names: c.4450G>A, p.Gly1484Arg (NM_001425324.1); short protein forms G1558R, G1484R.
Identifiers: ClinVar variation 867189 (VCV000867189.4), dbSNP rs1659914711, ClinGen allele CA341284074.

ClinVar aggregate classification (germline): Pathogenic/Likely pathogenic. Review status: criteria provided, multiple submitters, no conflicts (2 of 4 stars). 2 submissions from 2 submitters: Pathogenic (1); Likely pathogenic (1). Last evaluated 2025-03-02.

Conditions:
ABCA4-related disorder. Also called: ABCA4-related condition; ABCA4-related disorders. Identifiers: MedGen CN239167.

Submissions (2):

Labcorp Genetics (formerly Invitae), Labcorp
Classification: Pathogenic. Last evaluated: 2025-03-02. Review status: criteria provided, single submitter. Criteria: Invitae Variant Classification Sherloc (09022015). Collection method: clinical testing. Allele origin: germline.
Comment: This sequence change replaces glycine, which is neutral and non-polar, with arginine, which is basic and polar, at codon 1558 of the ABCA4 protein (p.Gly1558Arg). This variant is not present in population databases (gnomAD no frequency). This missense change has been observed in individual(s) with Stargardt disease (PMID: 29178665, 32619608, 35119454). In at least one individual the data is consistent with being in trans (on the opposite chromosome) from a pathogenic variant. ClinVar contains an entry for this variant (Variation ID: 867189). Invitae Evidence Modeling of protein sequence and biophysical properties (such as structural, functional, and spatial information, amino acid conservation, physicochemical variation, residue mobility, and thermodynamic stability) indicates that this missense variant is expected to disrupt ABCA4 protein function with a positive predictive value of 95%. For these reasons, this variant has been classified as Pathogenic.

Blueprint Genetics
Classification: Likely pathogenic for ABCA4-related disorders. Last evaluated: 2019-11-20. Review status: criteria provided, single submitter. Criteria: ACMG Guidelines, 2015. Collection method: clinical testing. Allele origin: germline. Affected: yes. Observed: 3 variant alleles.

Literature cited by the submitters: PubMed 29178665 (cited by Labcorp Genetics (formerly Invitae), Labcorp); PubMed 32619608 (cited by Labcorp Genetics (formerly Invitae), Labcorp); PubMed 35119454 (cited by Labcorp Genetics (formerly Invitae), Labcorp).